The following is an entry in ClinVar:

NM_138636.5(TLR8):c.12G>T (p.Met4Ile)

Genes: TLR8 (toll like receptor 8; plus strand), TLR8-AS1 (TLR8 antisense RNA 1; minus strand). Cytogenetic location: Xp22.2.
Variant type: single nucleotide variant.
Coding change: c.12G>T on transcript NM_138636.5 (MANE Select); coding-DNA position 12, G replaced by T.
Protein change: p.Met4Ile; replaces methionine 4 with isoleucine.
Molecular consequence: missense variant.
Genome position (GRCh38, 1-based): chrX:12,919,052, G>T. VCF-style: chrX-12919052-G-T. GRCh37 (hg19) VCF-style: chrX-12937171-G-T.
Other names: c.66G>T, p.Met22Ile (NM_016610.4); short protein forms M22I, M4I.
Identifiers: ClinVar variation 3067672 (VCV003067672.21), dbSNP rs1397585074, ClinGen allele CA412412434.
Genomic context (GRCh38, chrX:12,919,052, plus strand): 5'-CTGGCAAATACTGCTACTCTAATACTGTGCTTCCACTTTTGATTTTCCTTAGGAAAACAT[G>T]TTCCTTCAGTCGTCAATGCTGACCTGCATTTTCCTGCTAATATCTGGTTCCTGTGAGTTA-3'
Protein context (NP_619542.1, residues 1-14): MEN[Met4Ile]FLQSSMLTCI

ClinVar aggregate classification (germline): Uncertain significance (1 of 4 stars; one submission).

Submission:

CeGaT Center for Human Genetics Tuebingen
Classification: Uncertain significance. Last evaluated: 2024-03-01. Review status: criteria provided, single submitter. Criteria: CeGaT Center For Human Genetics Tuebingen Variant Classification Criteria Version 2. Collection method: clinical testing. Allele origin: germline. Affected: yes. Observed: 1 variant allele.
Comment: TLR8: PM2, BP4